The following continues an entry in ClinVar:

NM_000059.4(BRCA2):c.5455C>T (p.Pro1819Ser)

Gene: BRCA2. ClinVar aggregate classification (germline): Benign. Benign (1).

Submissions 21 to 24 of 24:

BRCAlab, Lund University
Classification: Benign for Breast-ovarian cancer, familial, susceptibility to, 2. Last evaluated: 2020-03-02. Review status: no assertion criteria provided. Collection method: clinical testing. Allele origin: germline. Affected: yes. Not counted in ClinVar's aggregate classification.

Sharing Clinical Reports Project (SCRP)
Classification: Benign for Breast-ovarian cancer, familial 2. Last evaluated: 2008-09-30. Review status: no assertion criteria provided. Collection method: clinical testing. Allele origin: germline. Not counted in ClinVar's aggregate classification.

Breast Cancer Information Core (BIC) (BRCA2)
Classification: Uncertain significance for Breast-ovarian cancer, familial 2. Last evaluated: 2002-05-29. Review status: no assertion criteria provided. Collection method: clinical testing. Allele origin: germline. Affected: yes. Observed: 40 variant alleles. Not counted in ClinVar's aggregate classification.

Department of Pathology and Laboratory Medicine, Sinai Health System
Classification: Benign for Breast-ovarian cancer, familial, susceptibility to, 2. Review status: no assertion criteria provided. Collection method: clinical testing. Allele origin: unknown. Affected: yes. Observed: 3 variant alleles. Study: The Canadian Open Genetics Repository (COGR). Not counted in ClinVar's aggregate classification.
Comment: The BRCA2 p.Pro1819Ser variant was identified in 1 of 228 proband chromosomes (frequency: 0.004) from individuals or families with breast cancer (Spearman 2008). The variant was also identified in dbSNP (ID: rs80358768) NHLBI Exome Sequencing Project (Exome Variant Server), HGMD, LOVD, the ClinVar database (classified as a benign variant by the Sharing Clinical Reports Project, derived from Myriad reports, as a likely benign variant by GeneDx and as uncertain significance by BIC), Gene Insight through the Canadian Open Genetics Repository (1X, by a clinical laboratory as â€šÃ„Ã²not classifiedâ€šÃ„Ã´), the BIC database (40X with unknown clinical importance) and UMD (4X as a likely neutral variant). The variant was identified by the Exome Variant Server project in 1 of 8600 European American (frequency: 0.0001), although this low number of observations and low frequency is not substantive enough to determine the prevalence of the variant in the general population and its relationship to disease. The p.Pro1819 residue is not conserved in mammals and computational analyses (PolyPhen-2, SIFT, AlignGVGD, BLOSUM, MutationTaster) provide inconsistent predictions regarding the impact to the protein; this information is not very predictive of pathogenicity. In addition, two in silico studies using either a multifactorial-likelihood model or tumour histopathology characteristics predict the variant to be neutral (Easton 2007, Spearman 2008) increasing the likelihood this variant may not have clinical significance. In summary, based on the above information, this variant is classified as benign.

Literature cited by the submitters: PubMed 21990134 (cited by Evidence-based Network for the Interpretation of Germline Mutant Alleles (ENIGMA) and Women's Health and Genetics/Laboratory Corporation of America, LabCorp); PubMed 11556836 (cited by Women's Health and Genetics/Laboratory Corporation of America, LabCorp); PubMed 25682074 (cited by Women's Health and Genetics/Laboratory Corporation of America, LabCorp); PubMed 17924331 (cited by Women's Health and Genetics/Laboratory Corporation of America, LabCorp); PubMed 24323938 (cited by Women's Health and Genetics/Laboratory Corporation of America, LabCorp); PubMed 20589654 (cited by Women's Health and Genetics/Laboratory Corporation of America, LabCorp); PubMed 18824701 (cited by Women's Health and Genetics/Laboratory Corporation of America, LabCorp).